The following is an entry in ClinVar:

ClinVar aggregate classification (germline): Likely pathogenic (1 of 4 stars; one submission).

Submission:

Labcorp Genetics (formerly Invitae), Labcorp
Classification: Likely pathogenic. Last evaluated: 2021-01-30. Review status: criteria provided, single submitter. Criteria: Invitae Variant Classification Sherloc (09022015). Collection method: clinical testing. Allele origin: germline.
Comment: This sequence change replaces glycine with alanine at codon 1324 of the COL4A5 protein (p.Gly1324Ala). The glycine residue is highly conserved and there is a small physicochemical difference between glycine and alanine. This variant is not present in population databases (ExAC no frequency). This variant has not been reported in the literature in individuals with COL4A5-related conditions. Advanced modeling of protein sequence and biophysical properties (such as structural, functional, and spatial information, amino acid conservation, physicochemical variation, residue mobility, and thermodynamic stability) performed at Invitae indicates that this missense variant is expected to disrupt COL4A5 protein function. This variant disrupts the triple helix domain of COL4A5. Glycine residues within the Gly-Xaa-Yaa repeats of the triple helix domain are required for the structure and stability of fibrillar collagens (PMID: 7695699, 8218237, 19344236). In COL4A5, missense variants at these glycine residues are significantly enriched in individuals with disease (PMID: 23720012, 27627812) compared to the general population (ExAC). In summary, the currently available evidence indicates that the variant is pathogenic, but additional data are needed to prove that conclusively. Therefore, this variant has been classified as Likely Pathogenic.

Literature cited by the submitters: PubMed 7695699; PubMed 8218237; PubMed 19344236; PubMed 23720012; PubMed 27627812.

NM_033380.3(COL4A5):c.3989G>C (p.Gly1330Ala)

Gene: COL4A5 (collagen type IV alpha 5 chain; plus strand). Cytogenetic location: Xq22.3.
Variant type: single nucleotide variant.
Coding change: c.3989G>C on transcript NM_033380.3 (MANE Select); coding-DNA position 3989, G replaced by C.
Protein change: p.Gly1330Ala; replaces glycine 1330 with alanine.
Molecular consequence: missense variant.
Genome position (GRCh38, 1-based): chrX:108,680,725, G>C. VCF-style: chrX-108680725-G-C. GRCh37 (hg19) VCF-style: chrX-107923955-G-C.
Other names: c.3971G>C, p.Gly1324Ala (NM_000495.5); short protein forms G1324A, G1330A.
Identifiers: ClinVar variation 1464935 (VCV001464935.8), dbSNP rs2147980049, ClinGen allele CA413851030.